The following is an entry in ClinVar:

ClinVar aggregate classification (germline): Uncertain significance (1 of 4 stars; one submission).

Conditions:
Familial intrahepatic cholestasis. Identifiers: Orphanet 284385, MedGen CN296401, MONDO:0017290.

Submission:

Genomenon, Inc
Classification: Uncertain significance for Familial intrahepatic cholestasis. Last evaluated: 2026-04-14. Review status: criteria provided, single submitter. Criteria: Genomenon Sequence Variant Interpretation Standards - Updated. Collection method: curation. Allele origin: germline. Affected: no.
Comment: ATP8B1 p.Asn368Asp (c.1102A>G) is a missense variant that changes the amino acid at residue 368 from Asparagine to Aspartic acid. This variant has been reported in the published literature (PMID:24260417). It is absent or not present at a significant frequency in gnomAD. In conclusion, we classify ATP8B1 p.Asn368Asp (c.1102A>G) as a variant of uncertain significance.

Literature cited by the submitters: PubMed 24260417.

NM_001374385.1(ATP8B1):c.1102A>G (p.Asn368Asp)

Gene: ATP8B1 (ATPase phospholipid transporting 8B1; minus strand). Cytogenetic location: 18q21.31.
Variant type: single nucleotide variant.
Coding change: c.1102A>G on transcript NM_001374385.1 (MANE Select); coding-DNA position 1102, A replaced by G.
Protein change: p.Asn368Asp; replaces asparagine 368 with aspartic acid.
Molecular consequence: missense variant.
Genome position (GRCh38, 1-based): chr18:57,691,925, T>C on the plus strand (A>G on the coding strand, the complement: ATP8B1 is on the minus strand). VCF-style: chr18-57691925-T-C. GRCh37 (hg19) VCF-style: chr18-55359157-T-C.
Other names: c.952A>G, p.Asn318Asp (NM_001374386.1); c.1102A>G, p.Asn368Asp (NM_005603.6); short protein forms N318D, N368D.
Identifiers: ClinVar variation 4846263 (VCV004846263.1).